The following is an entry in ClinVar:

NM_000238.4(KCNH2):c.2468G>C (p.Arg823Pro)

Gene: KCNH2 (potassium voltage-gated channel subfamily H member 2; minus strand). Cytogenetic location: 7q36.1.
Variant type: single nucleotide variant.
Coding change: c.2468G>C on transcript NM_000238.4 (MANE Select); coding-DNA position 2468, G replaced by C.
Protein change: p.Arg823Pro; replaces arginine 823 with proline.
Molecular consequence: missense variant.
Genome position (GRCh38, 1-based): chr7:150,948,980, C>G on the plus strand (G>C on the coding strand, the complement: KCNH2 is on the minus strand). VCF-style: chr7-150948980-C-G. GRCh37 (hg19) VCF-style: chr7-150646068-C-G.
Other names: c.1448G>C, p.Arg483Pro (NM_172057.3); short protein forms R483P, R823P.
Identifiers: ClinVar variation 1450592 (VCV001450592.6), dbSNP rs1064793147, ClinGen allele CA369855171.

ClinVar aggregate classification (germline): Uncertain significance (1 of 4 stars; one submission).

Conditions:
Long QT syndrome (LQTS). Identifiers: MedGen C0023976, MeSH D008133, MONDO:0002442. Disease mechanism: loss of function. Inheritance: Various modes of inheritance.

Submission:

Labcorp Genetics (formerly Invitae), Labcorp
Classification: Uncertain significance for Long QT syndrome. Last evaluated: 2021-11-13. Review status: criteria provided, single submitter. Criteria: Invitae Variant Classification Sherloc (09022015). Collection method: clinical testing. Allele origin: germline.
Comment: This sequence change replaces arginine, which is basic and polar, with proline, which is neutral and non-polar, at codon 823 of the KCNH2 protein (p.Arg823Pro). In summary, the available evidence is currently insufficient to determine the role of this variant in disease. Therefore, it has been classified as a Variant of Uncertain Significance. This variant disrupts the p.Arg823 amino acid residue in KCNH2. Other variant(s) that disrupt this residue have been determined to be pathogenic (PMID: 10973849, 19695459, 23303164). This suggests that this residue is clinically significant, and that variants that disrupt this residue are likely to be disease-causing. Algorithms developed to predict the effect of missense changes on protein structure and function are either unavailable or do not agree on the potential impact of this missense change (SIFT: "Deleterious"; PolyPhen-2: "Probably Damaging"; Align-GVGD: "Class C0"). This variant has not been reported in the literature in individuals affected with KCNH2-related conditions. This variant is not present in population databases (gnomAD no frequency).

Literature cited by the submitters: PubMed 10973849; PubMed 19695459; PubMed 23303164.